The following is an entry in ClinVar:

NM_199420.4(POLQ):c.4700T>C (p.Val1567Ala)

Gene: POLQ (DNA polymerase theta; minus strand). Cytogenetic location: 3q13.33.
Variant type: single nucleotide variant.
Coding change: c.4700T>C on transcript NM_199420.4 (MANE Select); coding-DNA position 4700, T replaced by C.
Protein change: p.Val1567Ala; replaces valine 1567 with alanine.
Molecular consequence: missense variant.
Genome position (GRCh38, 1-based): chr3:121,488,231, A>G on the plus strand (T>C on the coding strand, the complement: POLQ is on the minus strand). VCF-style: chr3-121488231-A-G. GRCh37 (hg19) VCF-style: chr3-121207078-A-G.
Other names: short protein forms V1567A.
Identifiers: ClinVar variation 2563889 (VCV002563889.2), dbSNP rs2546785634, ClinGen allele CA354094145.
Genomic context (GRCh38, chr3:121,488,231, plus strand): 5'-GATACTACAGTATGATTCTTCTCTTGGACAGGAAATATATCCACATTGTCCAAAGCTTCA[A>G]CCATCTGAACAGAATCCATTTCTGAAAATATAATAGATTCATCATTGGAACAAGTCAACT-3'
Protein context (NP_955452.3, residues 1557-1577): IFSEMDSVQM[Val1567Ala]EALDNVDIFP

ClinVar aggregate classification (germline): Uncertain significance (1 of 4 stars; one submission).

Submission:

Ambry Genetics
Classification: Uncertain significance. Last evaluated: 2023-06-08. Review status: criteria provided, single submitter. Criteria: Ambry Variant Classification Scheme 2023. Collection method: clinical testing. Allele origin: germline.
Comment: The p.V1567A variant (also known as c.4700T>C), located in coding exon 16 of the POLQ gene, results from a T to C substitution at nucleotide position 4700. The valine at codon 1567 is replaced by alanine, an amino acid with similar properties. This amino acid position is conserved. In addition, this alteration is predicted to be tolerated by in silico analysis. Since supporting evidence is limited at this time, the clinical significance of this alteration remains unclear.